The following is an entry in ClinVar:

ClinVar aggregate classification (germline): Likely benign. Review status: criteria provided, multiple submitters, no conflicts (2 of 4 stars). 2 submissions from 2 submitters: Likely benign (2). Last evaluated 2023-02-27.

Allele frequency attached by ClinVar (database versions not stated): gnomAD exomes below 0.00001; ExAC 0.00002.

Submissions (2):

Blueprint Genetics
Classification: Likely benign. Last evaluated: 2023-02-27. Review status: criteria provided, single submitter. Criteria: ACMG Guidelines, 2015. Collection method: clinical testing. Allele origin: germline.

CeGaT Center for Human Genetics Tuebingen
Classification: Likely benign. Last evaluated: 2022-03-01. Review status: criteria provided, single submitter. Criteria: CeGaT Center For Human Genetics Tuebingen Variant Classification Criteria Version 2. Collection method: clinical testing. Allele origin: germline. Affected: yes. Observed: 1 variant allele.
Comment: DLG3: BP4, BP7

NM_021120.4(DLG3):c.1773+791G>A

Gene: DLG3 (discs large MAGUK scaffold protein 3; plus strand). Cytogenetic location: Xq13.1.
Variant type: single nucleotide variant.
Coding change: c.1773+791G>A on transcript NM_021120.4 (MANE Select); 791 bases into the intron after coding-DNA position 1773, G replaced by A.
Molecular consequence: intron variant. On other transcripts: synonymous variant (2).
Genome position (GRCh38, 1-based): chrX:70,493,387, G>A. VCF-style: chrX-70493387-G-A. GRCh37 (hg19) VCF-style: chrX-69713237-G-A.
Other names: c.336G>A, p.Thr112= (NM_001166278.2); c.774G>A, p.Thr258= (NM_020730.3).
Identifiers: ClinVar variation 2660826 (VCV002660826.25), dbSNP rs751415934, ClinGen allele CA10442234.